The following is an entry in ClinVar:

NM_024675.4(PALB2):c.2369_2372del (p.Gln790fs)

Gene: PALB2 (partner and localizer of BRCA2; minus strand). Cytogenetic location: 16p12.2.
Variant type: Deletion.
Coding change: c.2369_2372del on transcript NM_024675.4 (MANE Select); coding-DNA positions 2369 to 2372, 4 bases deleted (AAGT; older notation c.2369_2372delAAGT).
Protein change: p.Gln790fs; shifts the reading frame from glutamine 790.
Molecular consequence: frameshift variant.
Genome position (GRCh38, 1-based): chr16:23,629,782-23,629,785, ACTT deleted on the plus strand (AAGT on the coding strand, the reverse complement: PALB2 is on the minus strand). VCF-style (leftmost placement, unchanged base first): chr16-23629781-CACTT-C. GRCh37 (hg19) VCF-style: chr16-23641102-CACTT-C.
Other names: short protein forms Q790fs.
Identifiers: ClinVar variation 860261 (VCV000860261.8), dbSNP rs1966856962, ClinGen allele CA916081834.
Genomic context (GRCh38, chr16:23,629,781, plus strand): 5'-TGGAGGTGTTCCTGGCGGGACAGAGTCACAGTCACAGGTAGGTTGTCCTTGCCTGCCTGA[CACTT>C]GCAGGGTGGTATGTGGTTTTGCTGGGCTGCCTGAACTGTCGAATTGTTTAGTATCACTGG-3'

ClinVar aggregate classification (germline): Pathogenic (1 of 4 stars; one submission).

Conditions:
Familial cancer of breast. Also called: hereditary breast carcinoma; Hereditary breast cancer; BREAST CANCER, FAMILIAL. Identifiers: Orphanet 227535, MedGen C0346153, MONDO:0016419, OMIM 114480. Disease mechanism: loss of function.

Submission:

Labcorp Genetics (formerly Invitae), Labcorp
Classification: Pathogenic for Familial cancer of breast. Last evaluated: 2019-02-10. Review status: criteria provided, single submitter. Criteria: Invitae Variant Classification Sherloc (09022015). Collection method: clinical testing. Allele origin: germline.
Comment: This sequence change creates a premature translational stop signal (p.Gln790Argfs*60) in the PALB2 gene. It is expected to result in an absent or disrupted protein product. This variant is not present in population databases (ExAC no frequency). This variant has not been reported in the literature in individuals with PALB2-related conditions. Loss-of-function variants in PALB2 are known to be pathogenic (PMID: 17200668, 24136930, 25099575). For these reasons, this variant has been classified as Pathogenic.

Literature cited by the submitters: PubMed 17200668; PubMed 24136930; PubMed 25099575.